The following is an entry in ClinVar:

NM_170606.3(KMT2C):c.6971A>G (p.Asp2324Gly)

Gene: KMT2C (lysine methyltransferase 2C; minus strand). Cytogenetic location: 7q36.1.
Variant type: single nucleotide variant.
Coding change: c.6971A>G on transcript NM_170606.3 (MANE Select); coding-DNA position 6971, A replaced by G.
Protein change: p.Asp2324Gly; replaces aspartic acid 2324 with glycine.
Molecular consequence: missense variant.
Genome position (GRCh38, 1-based): chr7:152,180,889, T>C on the plus strand (A>G on the coding strand, the complement: KMT2C is on the minus strand). VCF-style: chr7-152180889-T-C. GRCh37 (hg19) VCF-style: chr7-151877974-T-C.
Other names: short protein forms D2324G.
Identifiers: ClinVar variation 1994371 (VCV001994371.4), dbSNP rs758129499, ClinGen allele CA4579973.
Genomic context (GRCh38, chr7:152,180,889, plus strand): 5'-GAGTGCATTGGAGAGTTTGAAGATGCACAGAAGCTCCCCTCTGATCCAGGCCTTGGCTGA[T>C]CAGCAACATCATGGGCAGTTTGACTTGTTCCAAAAGAGTCAGACTGAGATCTTGGAGTCA-3'
Protein context (NP_733751.2, residues 2314-2334): GTSQTAHDVA[Asp2324Gly]QPRPGSEGSF

ClinVar aggregate classification (germline): Uncertain significance (1 of 4 stars; one submission).

Allele frequency attached by ClinVar (database versions not stated): TOPMed below 0.00001; ExAC 0.00001; gnomAD exomes 0.00001.
gnomAD v4.1: 9 of 1,614,154 alleles (0.00056%); highest among the groups gnomAD compares: Non-Finnish European, 0.00068%; no homozygotes.

Submission:

Labcorp Genetics (formerly Invitae), Labcorp
Classification: Uncertain significance. Last evaluated: 2022-05-14. Review status: criteria provided, single submitter. Criteria: Invitae Variant Classification Sherloc (09022015). Collection method: clinical testing. Allele origin: germline.
Comment: In summary, the available evidence is currently insufficient to determine the role of this variant in disease. Therefore, it has been classified as a Variant of Uncertain Significance. Algorithms developed to predict the effect of missense changes on protein structure and function (SIFT, PolyPhen-2, Align-GVGD) all suggest that this variant is likely to be tolerated. This variant has not been reported in the literature in individuals affected with KMT2C-related conditions. This variant is present in population databases (rs758129499, gnomAD 0.0009%). This sequence change replaces aspartic acid, which is acidic and polar, with glycine, which is neutral and non-polar, at codon 2324 of the KMT2C protein (p.Asp2324Gly).